The following is an entry in ClinVar:

NM_000381.4(MID1):c.1913_1936inv (p.Cys638_Lys646delinsLeuPheHisThrValLysValGlyGln)

Genes: MID1 (midline 1; minus strand), LOC126863207 (BRD4-independent group 4 enhancer GRCh37_chrX:10416979-10418178; plus strand). Cytogenetic location: Xp22.2.
Variant type: Inversion.
Coding change: c.1913_1936inv on transcript NM_000381.4 (MANE Select).
Protein change: p.Cys638_Lys646delinsLeuPheHisThrValLysValGlyGln.
Molecular consequence: missense variant.
Genome position: GRCh38: chrX:10,449,436-10,449,459. GRCh37 (hg19): chrX:10,417,476-10,417,499.
Other names: c.1913_1936inv, p.Cys638_Lys646delinsLeuPheHisThrValLysValGlyGln (NM_001098624.2, NM_001193277.1, NM_001347733.2 and 1 more transcripts); c.1799_1822inv, p.Cys600_Lys608delinsLeuPheHisThrValLysValGlyGln (NM_033289.2).
Identifiers: ClinVar variation 3235932 (VCV003235932.1), ClinGen allele CA2825002892.
Genomic context (GRCh38, chrX:10,449,436, plus strand): 5'-GCTGCTCTGTGCAGTCCAAATGGTCTGGGATAGGGAGCCCAGTGATAATCGTCAGACACT[TGTTCCACACGGTGAAGGTGGGGC>GCCCCACCTTCACCGTGTGGAACA]AAACAGGCTGCGCAAATGCGACGTCGAAGGTGTAGAGGTGGATGGAGTTCAAAGCATCAT-3'

ClinVar aggregate classification (germline): Uncertain significance (1 of 4 stars; one submission).

Conditions:
X-linked Opitz G/BBB syndrome (GBBB). Also called: OPITZ BBBG SYNDROME, TYPE I; OPITZ SYNDROME, X-LINKED; OPITZ-G SYNDROME, TYPE I; Opitz-Frias syndrome; MID1-Related Opitz G/BBB Syndrome. Identifiers: Orphanet 2745, MedGen C2936904, MONDO:0010222, OMIM 300000.

Submission:

New York Genome Center
Classification: Uncertain significance for X-linked Opitz G/BBB syndrome. Last evaluated: 2022-09-02. Review status: criteria provided, single submitter. Criteria: NYGC Assertion Criteria 2020. Collection method: clinical testing. Allele origin: inherited. Observed: 1 heterozygote. Study: PrenatalSEQ.
Comment: The c.1913_1936inv variant in MID1 has not previously been reported in the literature or public variant repositories (ClinVar and LOVD), and is absent from population databases (gnomAD v2.1.1 and v3.1.2, TOPMed Freeze 8, All of Us), suggesting it is not a common benign variant in the populations represented in those databases. The c.1913_1936inv variant is located in exon 10 of this 10-exon gene, and predicted to replace evolutionarily conserved aminoacids in the C-terminal SPRY domain without a change in the protein length (p.(Cys638_Lys646delinsLeuPheHisThrValLysValGlyGln)). In vitro functional studies demonstrated the significance of C-terminal SPRY domain in microtubule binding, however, the specific role of replaced amino acids is not known [PMID: 10077590]. Although missense and truncating variants located in the C-terminal SPRY domain have been reported in individuals with Opitz GBBB syndrome, no individual was reported to carry a variant affecting the replaced amino acids here in the literature. Based on available evidence this inherited heterozygous c.1913_1936inv p.(Cys638_Lys646delinsLeuPheHisThrValLysValGlyGln) variant identified in MID1 in this fetal sample is classified here as Variant of Uncertain Significance.